The following is an entry in ClinVar:

ClinVar aggregate classification (germline): Likely pathogenic (1 of 4 stars; one submission).

Conditions:
Autosomal recessive limb-girdle muscular dystrophy type 2J (LGMDR10). Also called: Limb-girdle muscular dystrophy, type 2J; MUSCULAR DYSTROPHY, LIMB-GIRDLE, AUTOSOMAL RECESSIVE 10. Identifiers: Orphanet 140922, MedGen C1837342, MONDO:0012127, OMIM 608807.
Dilated cardiomyopathy 1G (CMD1G). Identifiers: Orphanet 154, MedGen C1858763, MONDO:0011400, OMIM 604145.

gnomAD v4.1: 1 of 1,613,934 alleles (0.000062%); highest among the groups gnomAD compares: Non-Finnish European, 0.000085%; no homozygotes.

Submission:

Labcorp Genetics (formerly Invitae), Labcorp
Classification: Likely pathogenic for Dilated cardiomyopathy 1G; Autosomal recessive limb-girdle muscular dystrophy type 2J. Last evaluated: 2024-08-15. Review status: criteria provided, single submitter. Criteria: Invitae Variant Classification Sherloc (09022015). Collection method: clinical testing. Allele origin: germline.
Comment: This sequence change affects an acceptor splice site in intron 107 of the TTN gene. It is expected to disrupt RNA splicing and likely results in a truncated or disrupted TTN protein. This variant is present in population databases (rs754867693, gnomAD 0.0009%). This variant has not been reported in the literature in individuals affected with TTN-related conditions. Algorithms developed to predict the effect of sequence changes on RNA splicing suggest that this variant may disrupt the consensus splice site. This variant is located in the I band of TTN (PMID: 25589632). Truncating variants in this region have been reported in individuals affected with autosomal recessive centronuclear myopathy (PMID: 23975875, Invitae internal data). Truncating variants in this region have also been identified in individuals affected with autosomal dominant dilated cardiomyopathy and/or cardio-related conditions (PMID: 27869827, 32964742, Invitae internal data). In summary, the currently available evidence indicates that the variant is pathogenic, but additional data are needed to prove that conclusively. Therefore, this variant has been classified as Likely Pathogenic.

Literature cited by the submitters: PubMed 25589632; PubMed 23975875; PubMed 27869827; PubMed 32964742.

NM_001267550.2(TTN):c.30434-2A>G

Gene: TTN (titin; minus strand). Cytogenetic location: 2q31.2.
Variant type: single nucleotide variant.
Coding change: c.30434-2A>G on transcript NM_001267550.2 (MANE Select); the canonical splice acceptor site of the intron before coding-DNA position 30434, A replaced by G.
Molecular consequence: splice acceptor variant. On other transcripts: intron variant (3).
Genome position (GRCh38, 1-based): chr2:178,702,247, T>C on the plus strand (A>G on the coding strand, the complement: TTN is on the minus strand). VCF-style: chr2-178702247-T-C. GRCh37 (hg19) VCF-style: chr2-179566974-T-C.
Other names: c.13282+35835A>G (NM_003319.4); c.13858+35835A>G (NM_133437.4); c.13657+35835A>G (NM_133432.3); c.26702-2A>G (NM_133378.4); c.29483-2A>G (NM_001256850.1).
Identifiers: ClinVar variation 3751249 (VCV003751249.2).